The following is an entry in ClinVar:

NM_153816.6(SNX14):c.1781T>C (p.Ile594Thr)

Gene: SNX14 (sorting nexin 14; minus strand). Cytogenetic location: 6q14.3.
Variant type: single nucleotide variant.
Coding change: c.1781T>C on transcript NM_153816.6 (MANE Select); coding-DNA position 1781, T replaced by C.
Protein change: p.Ile594Thr; replaces isoleucine 594 with threonine.
Molecular consequence: missense variant. On other transcripts: non-coding transcript variant (6).
Genome position (GRCh38, 1-based): chr6:85,533,628, A>G on the plus strand (T>C on the coding strand, the complement: SNX14 is on the minus strand). VCF-style: chr6-85533628-A-G. GRCh37 (hg19) VCF-style: chr6-86243346-A-G.
Other names: c.1754T>C, p.Ile585Thr (NM_001297614.3, NM_001350541.2); c.1625T>C, p.Ile542Thr (NM_001304479.2); c.1844T>C, p.Ile615Thr (NM_001350532.2); c.1778T>C, p.Ile593Thr (NM_001350533.2, NM_001350535.2); c.1751T>C, p.Ile584Thr (NM_001350534.2); c.1649T>C, p.Ile550Thr (NM_001350536.2); c.1646T>C, p.Ile549Thr (NM_001350537.2); c.1637T>C, p.Ile546Thr (NM_001350538.2); and 9 more; short protein forms I446T, I541T, I497T, I542T, I550T, I594T, I615T, I200T.
Identifiers: ClinVar variation 2185636 (VCV002185636.1), dbSNP rs1780949339, ClinGen allele CA364903199.
Genomic context (GRCh38, chr6:85,533,628, plus strand): 5'-TTTTAAGAAAGGTGCTCAGAAAGCTTCCTACCTGCTCTTCTATCATTTCTTTCAACATCA[A>G]TACAAAACACAGGAATTCTTTCTTTTTTCTCCTTCCTTTCAGAGGAGGGATCCTCAAAAA-3'
Protein context (NP_722523.1, residues 584-604): EKKERIPVFC[Ile594Thr]DVERNDRRAV

ClinVar aggregate classification (germline): Uncertain significance (1 of 4 stars; one submission).

Allele frequency attached by ClinVar (database versions not stated): TOPMed below 0.00001.

Submission:

Labcorp Genetics (formerly Invitae), Labcorp
Classification: Uncertain significance. Last evaluated: 2022-08-20. Review status: criteria provided, single submitter. Criteria: Invitae Variant Classification Sherloc (09022015). Collection method: clinical testing. Allele origin: germline.
Comment: This sequence change replaces isoleucine, which is neutral and non-polar, with threonine, which is neutral and polar, at codon 594 of the SNX14 protein (p.Ile594Thr). This variant is not present in population databases (gnomAD no frequency). This variant has not been reported in the literature in individuals affected with SNX14-related conditions. Algorithms developed to predict the effect of missense changes on protein structure and function (SIFT, PolyPhen-2, Align-GVGD) all suggest that this variant is likely to be disruptive. In summary, the available evidence is currently insufficient to determine the role of this variant in disease. Therefore, it has been classified as a Variant of Uncertain Significance.